The following is an entry in ClinVar:

ClinVar aggregate classification (germline): Likely benign. Review status: criteria provided, multiple submitters, no conflicts (2 of 4 stars). 2 submissions from 2 submitters: Likely benign (2). Last evaluated 2023-02-24.

Conditions:
Charcot-Marie-Tooth disease type 2. Also called: Charcot-Marie-Tooth type 2. Identifiers: Orphanet 64746, MedGen C0270914, MONDO:0018993.
Primary dilated cardiomyopathy (DCM). Also called: Dilated Cardiomyopathy. Identifiers: Orphanet 217604, MedGen C0007193, MeSH D002311, MONDO:0005021, HP:0001644. Inheritance: Various modes of inheritance.

Submissions (2):

All of Us Research Program, National Institutes of Health
Classification: Likely benign for Primary dilated cardiomyopathy. Last evaluated: 2023-02-24. Review status: criteria provided, single submitter. Criteria: ACMG Guidelines, 2015. Collection method: clinical testing. Allele origin: germline. Inheritance: Autosomal dominant inheritance. Observed: 1 variant allele, 1 heterozygote.
Comment: This study involves interpretation of variants in research participants for the purpose of population health screening. Participant phenotype was not available at the time of variant classification. Additional details can be found in publication PMID: 35346344, PMCID: PMC8962531

Labcorp Genetics (formerly Invitae), Labcorp
Classification: Likely benign for Charcot-Marie-Tooth disease type 2. Last evaluated: 2021-12-23. Review status: criteria provided, single submitter. Criteria: Invitae Variant Classification Sherloc (09022015). Collection method: clinical testing. Allele origin: germline.

NM_170707.4(LMNA):c.1854C>T (p.Ser618=)

Gene: LMNA (lamin A/C; plus strand). Cytogenetic location: 1q22.
Variant type: single nucleotide variant.
Coding change: c.1854C>T on transcript NM_170707.4 (MANE Select); coding-DNA position 1854, C replaced by T.
Protein change: p.Ser618=; no amino-acid change (serine 618 retained).
Molecular consequence: synonymous variant. On other transcripts: intron variant (1).
Genome position (GRCh38, 1-based): chr1:156,138,643, C>T. VCF-style: chr1-156138643-C-T. GRCh37 (hg19) VCF-style: chr1-156108434-C-T.
Other names: c.1518C>T, p.Ser506= (NM_001257374.3, NM_001406989.1); c.1854C>T, p.Ser618= (NM_001406983.1, NM_001406985.1, NM_001406991.1); c.1611C>T, p.Ser537= (NM_001406986.1, NM_001406987.1); c.1557C>T, p.Ser519= (NM_001406988.1); c.1296C>T, p.Ser432= (NM_001406990.1, NM_001406993.1, NM_001406995.1 and 2 more transcripts); c.1230C>T, p.Ser410= (NM_001406994.1, NM_001406999.1, NM_001407000.1 and 1 more transcripts); c.1764C>T, p.Ser588= (NM_170708.4); c.1818+36C>T (NM_001282626.2).
Identifiers: ClinVar variation 2054895 (VCV002054895.5), dbSNP rs1302676471, ClinGen allele CA421258049.